The following is an entry in ClinVar:

NM_000051.4(ATM):c.8152-8T>G

Genes: C11orf65 (chromosome 11 open reading frame 65; minus strand), ATM (ATM serine/threonine kinase; plus strand). Cytogenetic location: 11q22.3.
Variant type: single nucleotide variant.
Coding change: c.8152-8T>G on transcript NM_000051.4 (MANE Select); 8 bases into the intron before coding-DNA position 8152, T replaced by G.
Molecular consequence: intron variant.
Genome position (GRCh38, 1-based): chr11:108,335,837, T>G. VCF-style: chr11-108335837-T-G. GRCh37 (hg19) VCF-style: chr11-108206564-T-G.
Other names: c.8152-8T>G (NM_001351834.2); c.641-26766A>C (NM_001330368.2); c.695-545A>C (NM_001351110.2).
Identifiers: ClinVar variation 489595 (VCV000489595.9), dbSNP rs752705487, ClinGen allele CA6266310.
Genomic context (GRCh38, chr11:108,335,837, plus strand): 5'-TCAGATGACTCTGTGTTTTTATAATAAAATAAACTGTACTTGTTTATTCATGCTTAATTA[T>G]TCTGAAGGGCCGTGATGACCTGAGACAAGATGCTGTCATGCAACAGGTCTTCCAGATGTG-3'

ClinVar aggregate classification (germline): Uncertain significance. Review status: criteria provided, multiple submitters, no conflicts (2 of 4 stars). 2 submissions from 2 submitters: Uncertain significance (2). Last evaluated 2023-01-18.

Conditions:
Hereditary cancer-predisposing syndrome. Also called: Neoplastic Syndromes, Hereditary; Hereditary Cancer Syndrome; Tumor predisposition; Hereditary neoplastic syndrome. Identifiers: Orphanet 140162, MedGen C0027672, MeSH D009386, MONDO:0015356.
Ataxia-telangiectasia syndrome (AT). Also called: LOUIS-BAR SYNDROME; Cerebello-oculocutaneous telangiectasia; Immunodeficiency with ataxia telangiectasia; Ataxia-telangiectasia, complementation group D; AT, COMPLEMENTATION GROUP C; Ataxia-telangiectasia, complementation group E. Identifiers: Orphanet 100, MedGen C0004135, MONDO:0008840, OMIM 208900.

Allele frequency attached by ClinVar (database versions not stated): ExAC 0.00001; gnomAD exomes below 0.00001.
gnomAD v4.1: 1 of 1,607,556 alleles (0.000062%); highest among the groups gnomAD compares: Non-Finnish European, 0.000085%; no homozygotes.

Submissions (2):

Labcorp Genetics (formerly Invitae), Labcorp
Classification: Uncertain significance for Ataxia-telangiectasia syndrome. Last evaluated: 2023-01-18. Review status: criteria provided, single submitter. Criteria: Invitae Variant Classification Sherloc (09022015). Collection method: clinical testing. Allele origin: germline.
Comment: This sequence change falls in intron 55 of the ATM gene. It does not directly change the encoded amino acid sequence of the ATM protein. This variant is present in population databases (rs752705487, gnomAD 0.0009%). This variant has not been reported in the literature in individuals affected with ATM-related conditions. ClinVar contains an entry for this variant (Variation ID: 489595). Algorithms developed to predict the effect of sequence changes on RNA splicing suggest that this variant may disrupt the consensus splice site. In summary, the available evidence is currently insufficient to determine the role of this variant in disease. Therefore, it has been classified as a Variant of Uncertain Significance.

Color Diagnostics, LLC DBA Color Health
Classification: Uncertain significance for Hereditary cancer-predisposing syndrome. Last evaluated: 2019-06-29. Review status: criteria provided, single submitter. Criteria: ACMG Guidelines, 2015. Collection method: clinical testing. Allele origin: germline.